The following is an entry in ClinVar:

NM_002439.5(MSH3):c.1254dup (p.Ser419fs)

Gene: MSH3 (mutS homolog 3; plus strand). Cytogenetic location: 5q14.1.
Variant type: Duplication.
Coding change: c.1254dup on transcript NM_002439.5 (MANE Select); coding-DNA position 1254, one base duplicated (G; older notation c.1254dupG).
Protein change: p.Ser419fs; shifts the reading frame from serine 419.
Molecular consequence: frameshift variant.
Genome position (GRCh38, 1-based): chr5:80,679,007, G duplicated. VCF-style (leftmost placement, unchanged base first): chr5-80679006-T-TG. GRCh37 (hg19) VCF-style: chr5-79974825-T-TG.
Other names: short protein forms S419fs.
Identifiers: ClinVar variation 2673570 (VCV002673570.1), dbSNP rs2546726612, ClinGen allele CA2695198655.
Genomic context (GRCh38, chr5:80,679,006, plus strand): 5'-GCGAGGTTGTGTTTGATAGTTTCCAGGACTCTGCTTCTCGTTCAGAGCTAGAAACCCGGA[T>TG]GTCAAGCCTGCAGCCAGTAGAGCTGCTGCTTCCTTCGGCCTTGTCCGAGCAAACAGAGGC-3'

ClinVar aggregate classification (germline): Pathogenic (1 of 4 stars; one submission).

Conditions:
Familial adenomatous polyposis 4 (FAP4). Also called: MSH3-related attenuated familial adenomatous polyposis. Identifiers: Orphanet 480536, MedGen C4310719, MONDO:0044300, OMIM 617100.

Submission:

Myriad Genetics, Inc.
Classification: Pathogenic for Familial adenomatous polyposis 4. Last evaluated: 2023-07-25. Review status: criteria provided, single submitter. Criteria: Myriad Autosomal Dominant, Autosomal Recessive and X-Linked Classification Criteria (2023). Collection method: clinical testing. Allele origin: unknown.
Comment: This variant is considered pathogenic. This variant creates a frameshift predicted to result in premature protein truncation.